The following is an entry in ClinVar:

ClinVar aggregate classification (germline): Uncertain significance (1 of 4 stars; one submission).

Allele frequency attached by ClinVar (database versions not stated): gnomAD exomes below 0.00001 and 0.00003; ExAC 0.00001; gnomAD 0.00001 and 0.00003; TOPMed 0.00001 and 0.00002.
gnomAD v4.1: 51 of 1,613,642 alleles (0.0032%); highest among the groups gnomAD compares: Non-Finnish European, 0.0042%; no homozygotes.

Submission:

Labcorp Genetics (formerly Invitae), Labcorp
Classification: Uncertain significance. Last evaluated: 2023-10-13. Review status: criteria provided, single submitter. Criteria: Invitae Variant Classification Sherloc (09022015). Collection method: clinical testing. Allele origin: germline.
Comment: This sequence change replaces histidine, which is basic and polar, with glutamine, which is neutral and polar, at codon 206 of the PAFAH1B1 protein (p.His206Gln). This variant is present in population databases (rs781710874, gnomAD 0.002%). This variant has not been reported in the literature in individuals affected with PAFAH1B1-related conditions. ClinVar contains an entry for this variant (Variation ID: 2140050). An algorithm developed to predict the effect of missense changes on protein structure and function (PolyPhen-2) suggests that this variant is likely to be tolerated. In summary, the available evidence is currently insufficient to determine the role of this variant in disease. Therefore, it has been classified as a Variant of Uncertain Significance.

NM_000430.4(PAFAH1B1):c.618T>A (p.His206Gln)

Gene: PAFAH1B1 (platelet activating factor acetylhydrolase 1b regulatory subunit 1; plus strand). Cytogenetic location: 17p13.3.
Variant type: single nucleotide variant.
Coding change: c.618T>A on transcript NM_000430.4 (MANE Select); coding-DNA position 618, T replaced by A.
Protein change: p.His206Gln; replaces histidine 206 with glutamine.
Molecular consequence: missense variant.
Genome position (GRCh38, 1-based): chr17:2,672,704, T>A. VCF-style: chr17-2672704-T-A. GRCh37 (hg19) VCF-style: chr17-2575998-T-A.
Other names: short protein forms H206Q.
Identifiers: ClinVar variation 2140050 (VCV002140050.4), dbSNP rs781710874, ClinGen allele CA8283229.
Genomic context (GRCh38, chr17:2,672,704, plus strand): 5'-ATGTGTTTTAGGCCATGACCACAATGTTTCTTCAGTAGCCATCATGCCCAATGGAGATCA[T>A]ATAGTGTCTGCCTCAAGGGATAAAACTATAAAAATGTGGGAAGTGCAAACTGGGTAAGTA-3'
Protein context (NP_000421.1, residues 196-216): SSVAIMPNGD[His206Gln]IVSASRDKTI